The following is an entry in ClinVar:

ClinVar aggregate classification (germline): Pathogenic/Likely pathogenic. Review status: criteria provided, multiple submitters, no conflicts (2 of 4 stars). 2 submissions from 2 submitters: Pathogenic (1); Likely pathogenic (1). Last evaluated 2026-07-29.

Conditions:
ZNF142-related disorder. Also called: ZNF142-related condition.

gnomAD v4.1: 11 of 1,614,050 alleles (0.00068%); highest among the groups gnomAD compares: Admixed American, 0.0033%; no homozygotes.

Submissions (2):

PreventionGenetics, part of Exact Sciences
Classification: Likely pathogenic for ZNF142-related condition. Last evaluated: 2026-07-29. Review status: criteria provided, single submitter. Criteria: ACMG Guidelines, 2015. Collection method: clinical testing. Allele origin: germline.
Comment: The ZNF142 c.4990C>T variant is predicted to result in premature protein termination (p.Arg1664*). To our knowledge, this variant has not been reported in the literature. This variant is reported in 0.0029% of alleles in individuals of Latino descent in gnomAD. Nonsense variants in ZNF142 are expected to be pathogenic. This variant is interpreted as likely pathogenic.

GeneDx
Classification: Pathogenic. Last evaluated: 2025-07-14. Review status: criteria provided, single submitter. Criteria: GeneDx Variant Classification Process June 2021. Collection method: clinical testing. Allele origin: germline. Affected: yes.
Comment: Nonsense variant predicted to result in protein truncation or nonsense mediated decay in a gene for which loss of function is a known mechanism of disease; Not observed at significant frequency in large population cohorts (gnomAD); Has not been previously published as pathogenic or benign to our knowledge

NM_001379659.1(ZNF142):c.4990C>T (p.Arg1664Ter)

Gene: ZNF142 (zinc finger protein 142; minus strand). Cytogenetic location: 2q35.
Variant type: single nucleotide variant.
Coding change: c.4990C>T on transcript NM_001379659.1 (MANE Select); coding-DNA position 4990, C replaced by T.
Protein change: p.Arg1664Ter; replaces arginine 1664 with a stop codon.
Molecular consequence: nonsense.
Genome position (GRCh38, 1-based): chr2:218,642,126, G>A on the plus strand (C>T on the coding strand, the complement: ZNF142 is on the minus strand). VCF-style: chr2-218642126-G-A. GRCh37 (hg19) VCF-style: chr2-219506849-G-A.
Other names: c.4390C>T, p.Arg1464Ter (NM_001105537.5, NM_001366291.3, NM_001379662.1); c.3901C>T, p.Arg1301Ter (NM_001366287.3, NM_001366288.3, NM_001366289.3); c.4990C>T, p.Arg1664Ter (NM_001366290.3, NM_001379660.1, NM_001379661.1); c.4990C>T (NM_001366290.1); short protein forms R1301*, R1464*, R1664*.
Identifiers: ClinVar variation 4686170 (VCV004686170.2).